The following is an entry in ClinVar:

NM_006206.6(PDGFRA):c.872C>T (p.Ala291Val)

Gene: PDGFRA (platelet derived growth factor receptor alpha; plus strand). Cytogenetic location: 4q12.
Variant type: single nucleotide variant.
Coding change: c.872C>T on transcript NM_006206.6 (MANE Select); coding-DNA position 872, C replaced by T.
Protein change: p.Ala291Val; replaces alanine 291 with valine.
Molecular consequence: missense variant.
Genome position (GRCh38, 1-based): chr4:54,267,401, C>T. VCF-style: chr4-54267401-C-T. GRCh37 (hg19) VCF-style: chr4-55133568-C-T.
Other names: c.872C>T, p.Ala291Val (NM_001347827.2, NM_001347829.2); c.947C>T, p.Ala316Val (NM_001347828.2); c.911C>T, p.Ala304Val (NM_001347830.2); short protein forms A316V, A304V, A291V.
Identifiers: ClinVar variation 2141963 (VCV002141963.4), dbSNP rs774527841, ClinGen allele CA356891294.

ClinVar aggregate classification (germline): Uncertain significance (1 of 4 stars; one submission).

Conditions:
Gastrointestinal stromal tumor. Also called: Gastrointestinal stroma tumor; Gastrointestinal stromal tumor, somatic. Identifiers: Orphanet 44890, MedGen C0238198, MeSH D046152, MONDO:0011719, OMIM 606764, HP:0100723.

Submission:

Labcorp Genetics (formerly Invitae), Labcorp
Classification: Uncertain significance for Gastrointestinal stromal tumor. Last evaluated: 2025-11-04. Review status: criteria provided, single submitter. Criteria: Invitae Variant Classification Sherloc (09022015). Collection method: clinical testing. Allele origin: germline.
Comment: This sequence change replaces alanine, which is neutral and non-polar, with valine, which is neutral and non-polar, at codon 291 of the PDGFRA protein (p.Ala291Val). This variant is not present in population databases (gnomAD no frequency). This variant has not been reported in the literature in individuals affected with PDGFRA-related conditions. ClinVar contains an entry for this variant (Variation ID: 2141963). Invitae Evidence Modeling of protein sequence and biophysical properties (such as structural, functional, and spatial information, amino acid conservation, physicochemical variation, residue mobility, and thermodynamic stability) indicates that this missense variant is not expected to disrupt PDGFRA protein function with a negative predictive value of 80%. In summary, the available evidence is currently insufficient to determine the role of this variant in disease. Therefore, it has been classified as a Variant of Uncertain Significance.